The following is an entry in ClinVar:

NM_006218.4(PIK3CA):c.1125A>G (p.Arg375=)

Gene: PIK3CA (phosphatidylinositol-4,5-bisphosphate 3-kinase catalytic subunit alpha; plus strand). Cytogenetic location: 3q26.32.
Variant type: single nucleotide variant.
Coding change: c.1125A>G on transcript NM_006218.4 (MANE Select); coding-DNA position 1125, A replaced by G.
Protein change: p.Arg375=; no amino-acid change (arginine 375 retained).
Molecular consequence: synonymous variant.
Genome position (GRCh38, 1-based): chr3:179,204,568, A>G. VCF-style: chr3-179204568-A-G. GRCh37 (hg19) VCF-style: chr3-178922356-A-G.
Identifiers: ClinVar variation 1170620 (VCV001170620.35), dbSNP rs200568210, ClinGen allele CA2710647.
Genomic context (GRCh38, chr3:179,204,568, plus strand): 5'-TGTTCGAACAGGTATCTACCATGGAGGAGAACCCTTATGTGACAATGTGAACACTCAAAG[A>G]GTACCTTGTTCCAATCCCAGGTAAGGAAGTATATAGATTTATATTTCCAAAGGTTATATT-3'
Protein context (NP_006209.2, residues 365-385): EPLCDNVNTQ[Arg375=]VPCSNPRWNE

ClinVar aggregate classification (germline): Benign/Likely benign. Review status: criteria provided, multiple submitters, no conflicts (2 of 4 stars). 3 submissions from 3 submitters: Benign (1); Likely benign (2). Last evaluated 2025-08-18.

Conditions:
Inborn genetic diseases. Identifiers: MedGen C0950123, MeSH D030342.
Cowden syndrome (CS). Also called: Cowden's disease; Cowden's syndrome; Cowden disease. Identifiers: Orphanet 201, MedGen C0018553, MONDO:0016063. Disease mechanism: gain of function.

Allele frequency attached by ClinVar (database versions not stated): gnomAD 0.00003; gnomAD exomes 0.00007 and 0.00012; ExAC 0.00016; 1000 Genomes Project 30x 0.00031; 1000 Genomes Project 0.00040.
gnomAD v4.1: 108 of 1,557,418 alleles (0.0069%); highest among the groups gnomAD compares: South Asian, 0.11%; no homozygotes.

Submissions (3):

Labcorp Genetics (formerly Invitae), Labcorp
Classification: Benign for Cowden syndrome. Last evaluated: 2025-08-18. Review status: criteria provided, single submitter. Criteria: Invitae Variant Classification Sherloc (09022015). Collection method: clinical testing. Allele origin: germline.

CeGaT Center for Human Genetics Tuebingen
Classification: Likely benign. Last evaluated: 2022-09-01. Review status: criteria provided, single submitter. Criteria: CeGaT Center For Human Genetics Tuebingen Variant Classification Criteria Version 2. Collection method: clinical testing. Allele origin: germline. Affected: yes. Observed: 1 variant allele.
Comment: PIK3CA: BP4, BP7

Ambry Genetics
Classification: Likely benign for Inborn genetic diseases. Last evaluated: 2022-03-07. Review status: criteria provided, single submitter. Criteria: Ambry Variant Classification Scheme 2023. Collection method: clinical testing. Allele origin: germline.